The following is an entry in ClinVar:

NM_016203.4(PRKAG2):c.745G>A (p.Glu249Lys)

Genes: PRKAG2 (protein kinase AMP-activated non-catalytic subunit gamma 2; minus strand), LOC129999660 (ATAC-STARR-seq lymphoblastoid silent region 18823; plus strand). Cytogenetic location: 7q36.1.
Variant type: single nucleotide variant.
Coding change: c.745G>A on transcript NM_016203.4 (MANE Select); coding-DNA position 745, G replaced by A.
Protein change: p.Glu249Lys; replaces glutamic acid 249 with lysine.
Molecular consequence: missense variant. On other transcripts: intron variant (3).
Genome position (GRCh38, 1-based): chr7:151,632,078, C>T on the plus strand (G>A on the coding strand, the complement: PRKAG2 is on the minus strand). VCF-style: chr7-151632078-C-T. GRCh37 (hg19) VCF-style: chr7-151329164-C-T.
Other names: c.613G>A, p.Glu205Lys (NM_001040633.2, NM_001407024.1, NM_001407026.1 and 1 more transcripts); c.373G>A, p.Glu125Lys (NM_001304527.2, NM_001363698.2, NM_001407028.1 and 1 more transcripts); c.22G>A, p.Glu8Lys (NM_001304531.2, NM_001407034.1, NM_001407035.1 and 4 more transcripts); c.745G>A, p.Glu249Lys (NM_001407021.1, NM_001407022.1, NM_001407023.1); c.427G>A, p.Glu143Lys (NM_001407032.1); c.421G>A, p.Glu141Lys (NM_001407033.1); c.73G>A, p.Glu25Lys (NM_001407038.1); c.467-36627G>A (NM_001407031.1); and 2 more; short protein forms E143K, E125K, E25K, E8K, E141K, E205K, E249K.
Identifiers: ClinVar variation 2712100 (VCV002712100.3), dbSNP rs1585369730, ClinGen allele CA370071156.
Genomic context (GRCh38, chr7:151,632,078, plus strand): 5'-GGCGGCCGGGCCGTGGGAGCGCCGGGCCGGCAGCGGGCGGGGCGCACTCACCTTCGTCCT[C>T]GAACTCCAGCTTCTCCAGCATGCCGGCTTCCGCGGGTCCCAGGGCCGCCGCCAGCGCCGC-3'
Protein context (NP_057287.2, residues 239-259): EAGMLEKLEF[Glu249Lys]DEAVEDSESG

ClinVar aggregate classification (germline): Uncertain significance (1 of 4 stars; one submission).

Conditions:
Lethal congenital glycogen storage disease of heart. Also called: GLYCOGEN STORAGE DISEASE OF HEART; PHOSPHORYLASE KINASE DEFICIENCY OF HEART. Identifiers: Orphanet 439854, MedGen C1849813, MONDO:0009867, OMIM 261740.

gnomAD v4.1: 2 of 1,407,790 alleles (0.00014%); highest among the groups gnomAD compares: Non-Finnish European, 0.00019%; no homozygotes.

Submission:

Labcorp Genetics (formerly Invitae), Labcorp
Classification: Uncertain significance for Lethal congenital glycogen storage disease of heart. Last evaluated: 2023-05-31. Review status: criteria provided, single submitter. Criteria: Invitae Variant Classification Sherloc (09022015). Collection method: clinical testing. Allele origin: germline.
Comment: In summary, the available evidence is currently insufficient to determine the role of this variant in disease. Therefore, it has been classified as a Variant of Uncertain Significance. Advanced modeling of protein sequence and biophysical properties (such as structural, functional, and spatial information, amino acid conservation, physicochemical variation, residue mobility, and thermodynamic stability) has been performed at Invitae for this missense variant, however the output from this modeling did not meet the statistical confidence thresholds required to predict the impact of this variant on PRKAG2 protein function. This variant has not been reported in the literature in individuals affected with PRKAG2-related conditions. This variant is not present in population databases (gnomAD no frequency). This sequence change replaces glutamic acid, which is acidic and polar, with lysine, which is basic and polar, at codon 249 of the PRKAG2 protein (p.Glu249Lys).